The following is an entry in ClinVar:

ClinVar aggregate classification (germline): Pathogenic. Review status: criteria provided, single submitter (1 of 4 stars). 2 submissions from 2 submitters: Pathogenic (1). 1 of the submissions does not count toward it. Last evaluated 2024-07-16.

Conditions:
Familial thoracic aortic aneurysm and aortic dissection (TAAD). Also called: Thoracic aortic aneurysms and dissections. Identifiers: Orphanet 91387, MedGen C4707243, MONDO:0019625.
Marfan syndrome (MFS). Also called: Marfan syndrome type 1; Marfan syndrome, classic; Marfan's syndrome; FBN1-Related Marfan Syndrome; MARFAN SYNDROME, TYPE I. Identifiers: Orphanet 284963, Orphanet 558, MedGen C0024796, MONDO:0007947, OMIM 154700.

Submissions (2):

Labcorp Genetics (formerly Invitae), Labcorp
Classification: Pathogenic for Marfan syndrome; Familial thoracic aortic aneurysm and aortic dissection. Last evaluated: 2024-07-16. Review status: criteria provided, single submitter. Criteria: Invitae Variant Classification Sherloc (09022015). Collection method: clinical testing. Allele origin: germline.
Comment: This sequence change affects an acceptor splice site in intron 18 of the FBN1 gene. It is expected to disrupt RNA splicing. Variants that disrupt the donor or acceptor splice site typically lead to a loss of protein function (PMID: 16199547), and loss-of-function variants in FBN1 are known to be pathogenic (PMID: 17657824, 19293843). This variant is not present in population databases (gnomAD no frequency). Disruption of this splice site has been observed in individuals with Marfan syndrome (PMID: 12161601, 19390640). ClinVar contains an entry for this variant (Variation ID: 517130). Algorithms developed to predict the effect of sequence changes on RNA splicing suggest that this variant may disrupt the consensus splice site. For these reasons, this variant has been classified as Pathogenic.

Centre for Genomic and Experimental Medicine, University of Edinburgh
Classification: Likely pathogenic for Familial thoracic aortic aneurysm and aortic dissection. Review status: no assertion criteria provided. Collection method: research. Allele origin: unknown. Affected: yes. Not counted in ClinVar's aggregate classification.

Literature cited by the submitters: PubMed 16199547 (cited by Labcorp Genetics (formerly Invitae), Labcorp); PubMed 17657824 (cited by Labcorp Genetics (formerly Invitae), Labcorp); PubMed 19293843 (cited by Labcorp Genetics (formerly Invitae), Labcorp); PubMed 12161601 (cited by Labcorp Genetics (formerly Invitae), Labcorp); PubMed 19390640 (cited by Labcorp Genetics (formerly Invitae), Labcorp).

NM_000138.5(FBN1):c.2168-1G>T

Gene: FBN1 (fibrillin 1; minus strand). Cytogenetic location: 15q21.1.
Variant type: single nucleotide variant.
Coding change: c.2168-1G>T on transcript NM_000138.5 (MANE Select); the canonical splice acceptor site of the intron before coding-DNA position 2168, G replaced by T.
Molecular consequence: splice acceptor variant.
Genome position (GRCh38, 1-based): chr15:48,497,392, C>A on the plus strand (G>T on the coding strand, the complement: FBN1 is on the minus strand). VCF-style: chr15-48497392-C-A. GRCh37 (hg19) VCF-style: chr15-48789589-C-A.
Other names: c.2168-1G>T (NM_001406716.1).
Identifiers: ClinVar variation 517130 (VCV000517130.11), dbSNP rs1555399387, ClinGen allele CA392335952.